The following is an entry in ClinVar:

ClinVar aggregate classification (germline): Benign (1 of 4 stars; one submission).

gnomAD v4.1: 14,198 of 1,611,588 alleles (0.88%); highest among the groups gnomAD compares: Non-Finnish European, 1.1%; 68 homozygotes.

Submissions (6):

CeGaT Center for Human Genetics Tuebingen
Classification: Benign. Last evaluated: 2024-08-01. Review status: criteria provided, single submitter. Criteria: CeGaT Center For Human Genetics Tuebingen Variant Classification Criteria Version 2. Collection method: clinical testing. Allele origin: germline. Affected: yes. Observed: 1 variant allele.
Comment: RGS11: BS1, BS2

Dr. Peter K. Rogan Lab, Western University
No classification provided (evidence only). Condition: Cervical cancer. Review status: no classification provided. Collection method: in vitro. Allele origin: not applicable. Functional consequence: retained intron. Not counted in ClinVar's aggregate classification.

Dr. Peter K. Rogan Lab, Western University
No classification provided (evidence only). Condition: Cervical cancer. Review status: no classification provided. Collection method: in vitro. Allele origin: not applicable. Functional consequence: retained intron. Not counted in ClinVar's aggregate classification.

Dr. Peter K. Rogan Lab, Western University
No classification provided (evidence only). Condition: Sarcoma. Review status: no classification provided. Collection method: in vitro. Allele origin: not applicable. Functional consequence: retained intron. Not counted in ClinVar's aggregate classification.

Dr. Peter K. Rogan Lab, Western University
No classification provided (evidence only). Condition: Sarcoma. Review status: no classification provided. Collection method: in vitro. Allele origin: not applicable. Functional consequence: retained intron. Not counted in ClinVar's aggregate classification.

Dr. Peter K. Rogan Lab, Western University
No classification provided (evidence only). Condition: Ovarian serous cystadenocarcinoma. Review status: no classification provided. Collection method: in vitro. Allele origin: not applicable. Functional consequence: retained intron. Not counted in ClinVar's aggregate classification.

NM_183337.3(RGS11):c.970G>T (p.Glu324Ter)

Gene: RGS11 (regulator of G protein signaling 11; minus strand). Cytogenetic location: 16p13.3.
Variant type: single nucleotide variant.
Coding change: c.970G>T on transcript NM_183337.3 (MANE Select); coding-DNA position 970, G replaced by T.
Protein change: p.Glu324Ter; replaces glutamic acid 324 with a stop codon.
Molecular consequence: nonsense.
Genome position (GRCh38, 1-based): chr16:270,993, C>A on the plus strand (G>T on the coding strand, the complement: RGS11 is on the minus strand). VCF-style: chr16-270993-C-A. GRCh37 (hg19) VCF-style: chr16-320992-C-A.
Other names: NC_000016.9:g.320992C>A; c.937G>T, p.Glu313Ter (NM_001286485.2); c.418G>T, p.Glu140Ter (NM_001286486.2); c.907G>T, p.Glu303Ter (NM_003834.3); short protein forms E140*, E303*, E313*, E324*.
Identifiers: ClinVar variation 3341539 (VCV003341539.17).